The following is an entry in ClinVar:

ClinVar aggregate classification (germline): Likely pathogenic (1 of 4 stars; one submission).

Conditions:
Dilated cardiomyopathy 1G (CMD1G). Identifiers: Orphanet 154, MedGen C1858763, MONDO:0011400, OMIM 604145.
Autosomal recessive limb-girdle muscular dystrophy type 2J (LGMDR10). Also called: Limb-girdle muscular dystrophy, type 2J; MUSCULAR DYSTROPHY, LIMB-GIRDLE, AUTOSOMAL RECESSIVE 10. Identifiers: Orphanet 140922, MedGen C1837342, MONDO:0012127, OMIM 608807.

Submission:

Labcorp Genetics (formerly Invitae), Labcorp
Classification: Likely pathogenic for Dilated cardiomyopathy 1G; Autosomal recessive limb-girdle muscular dystrophy type 2J. Last evaluated: 2025-12-20. Review status: criteria provided, single submitter. Criteria: Invitae Variant Classification Sherloc (09022015). Collection method: clinical testing. Allele origin: germline.
Comment: This sequence change creates a premature translational stop signal (p.Thr28413Ilefs*3) in the TTN gene. While this is not anticipated to result in nonsense mediated decay, it is expected to create a truncated TTN protein. This variant is not present in population databases (gnomAD no frequency). This premature translational stop signal has been observed in individual(s) with dilated cardiomyopathy (PMID: 27532257, 37652022). This variant is located in the A band of TTN (PMID: 25589632). Truncating variants in this region are significantly overrepresented in patients affected with dilated cardiomyopathy (PMID: 25589632). Truncating variants in this region have also been reported in individuals affected with autosomal recessive centronuclear myopathy (PMID: 23975875). In summary, the currently available evidence indicates that the variant is pathogenic, but additional data are needed to prove that conclusively. Therefore, this variant has been classified as Likely Pathogenic.

Literature cited by the submitters: PubMed 27532257; PubMed 37652022; PubMed 25589632; PubMed 23975875.

NM_001267550.2(TTN):c.85238del (p.Thr28413fs)

Genes: TTN-AS1 (TTN antisense RNA 1; plus strand), TTN (titin; minus strand). Cytogenetic location: 2q31.2.
Variant type: Deletion.
Coding change: c.85238del on transcript NM_001267550.2 (MANE Select); coding-DNA position 85238, one base deleted (C; older notation c.85238delC).
Protein change: p.Thr28413fs; shifts the reading frame from threonine 28413.
Molecular consequence: frameshift variant.
Genome position (GRCh38, 1-based): chr2:178,560,894, G deleted on the plus strand (C on the coding strand, the reverse complement: TTN is on the minus strand). VCF-style (leftmost placement, unchanged base first): chr2-178560893-AG-A. GRCh37 (hg19) VCF-style: chr2-179425620-AG-A.
Other names: c.80315del, p.Thr26772fs (NM_001256850.1); c.58043del, p.Thr19348fs (NM_003319.4); c.77534del, p.Thr25845fs (NM_133378.4); c.58418del, p.Thr19473fs (NM_133432.3); c.58619del, p.Thr19540fs (NM_133437.4); short protein forms T19348fs, T19540fs, T26772fs, T19473fs, T25845fs, T28413fs.
Identifiers: ClinVar variation 4783601 (VCV004783601.1).